The following is an entry in ClinVar:

ClinVar aggregate classification (germline): Conflicting classifications of pathogenicity. Review status: criteria provided, conflicting classifications (1 of 4 stars). 5 submissions from 5 submitters: Uncertain significance (4); Likely benign (1). Last evaluated 2025-06-16.

Conditions:
Familial hypercholesterolemia. Also called: Familial hypercholesterolemias; Familial hypercholesterolaemia. Identifiers: MedGen C0020445, MONDO:0005439.
Cardiovascular phenotype. Identifiers: MedGen CN230736.
Familial hypobetalipoproteinemia 1. Also called: Hypobetalipoproteinemia, normotriglyceridemic; Acanthocytosis with hypobetalipoproteinemia; APOB-Related Familial Hypobetalipoproteinemia. Identifiers: MedGen C4551990, MONDO:0014252, OMIM 615558.
Hypercholesterolemia, autosomal dominant, type B (FHCL2). Also called: Familial Hypercholesterolemia Type B; HYPERCHOLESTEROLEMIA, FAMILIAL, DUE TO LIGAND-DEFECTIVE APOLIPOPROTEIN B; Familial hypercholesterolemia 2; APOB-Related Familial Hypercholesterolemia, Autosomal Dominant; APOLIPOPROTEIN B-100, FAMILIAL DEFECTIVE; APOLIPOPROTEIN B-100, FAMILIAL LIGAND-DEFECTIVE. Identifiers: MedGen C1704417, MONDO:0007751, OMIM 144010.

Allele frequency attached by ClinVar (database versions not stated): ExAC 0.00001; gnomAD 0.00001 and 0.00002; gnomAD exomes 0.00001; TOPMed 0.00002.
gnomAD v4.1: 17 of 1,614,100 alleles (0.0011%); highest among the groups gnomAD compares: Admixed American, 0.0017%; no homozygotes.

Submissions (5):

Ambry Genetics
Classification: Uncertain significance for Cardiovascular phenotype. Last evaluated: 2025-06-16. Review status: criteria provided, single submitter. Criteria: Ambry Variant Classification Scheme 2023. Collection method: clinical testing. Allele origin: germline.

Labcorp Genetics (formerly Invitae), Labcorp
Classification: Likely benign for Familial hypobetalipoproteinemia 1; Hypercholesterolemia, autosomal dominant, type B. Last evaluated: 2024-03-02. Review status: criteria provided, single submitter. Criteria: Invitae Variant Classification Sherloc (09022015). Collection method: clinical testing. Allele origin: germline.

Cambridge Genomics Laboratory, East Genomic Laboratory Hub, NHS Genomic Medicine Service
Classification: Uncertain significance for Familial hypercholesterolaemia. Last evaluated: 2024-02-14. Review status: criteria provided, single submitter. Criteria: ACGS Best Practice Guidelines for Variant Classification in Rare Disease 2020. Collection method: clinical testing. Allele origin: germline. Affected: yes.
Comment: The p.Thr941Ser variant is observed in 3/113.464 (0.0026%) alleles from individuals of gnomAD Non Finnish European background in gnomAD All. The p.Thr941Ser variant is novel (not in any individuals) in 1kG All. The p.Thr941Ser variant is observed in 2/68.034 (0.0029%) alleles from individuals of gnomAD Genomes v3 Non Finnish European background in gnomAD Genomes v3 All. (PM2 - Moderate) | The p.Thr941Ser variant is not predicted to disrupt the existing acceptor splice site 5bp upstream by any splice site algorithm. The p.Thr941Ser variant is not predicted to introduce a novel splice site by any splice site algorithm. The p.Thr941Ser missense variant is predicted to be tolerated by both SIFT or PolyPhen2. (BP4 - Supporting)

Fulgent Genetics
Classification: Uncertain significance for Hypercholesterolemia, autosomal dominant, type B; Familial hypobetalipoproteinemia 1. Last evaluated: 2021-09-16. Review status: criteria provided, single submitter. Criteria: ACMG Guidelines, 2015. Collection method: clinical testing. Allele origin: unknown.

New York Genome Center
Classification: Uncertain significance for Hypercholesterolemia, autosomal dominant, type B; Familial hypobetalipoproteinemia 1. Last evaluated: 2021-01-20. Review status: criteria provided, single submitter. Criteria: NYGC Assertion Criteria 2020. Collection method: clinical testing. Allele origin: germline. Observed: 1 heterozygote.
Comment: The heterozygous c.2821A>T (p.Thr941Ser) variant identified in the APOB gene has not been reported in affected individuals in the literature. This variant is reported in ClinVar (VarID:918927) as a Variant of Uncertain Significance. This variant has 0.00001314 allele frequency in the gnomAD(v3.0) database (2 out of 152,240 heterozygous alleles, no homozygotes) suggesting it is not a common benign variant in the populations represented in that database. The affected residue is not well conserved. In silico tools provide conflicting interpretations about potential pathogenicity of this variant. Given the lack of compelling evidence for its pathogenicity, the c.2821A>T (p.Thr941Ser) variant identified in the APOB gene is reported as a Variant of Uncertain Significance.

NM_000384.3(APOB):c.2821A>T (p.Thr941Ser)

Gene: APOB (apolipoprotein B; minus strand). Cytogenetic location: 2p24.1.
Variant type: single nucleotide variant.
Coding change: c.2821A>T on transcript NM_000384.3 (MANE Select); coding-DNA position 2821, A replaced by T.
Protein change: p.Thr941Ser; replaces threonine 941 with serine.
Molecular consequence: missense variant.
Genome position (GRCh38, 1-based): chr2:21,019,901, T>A on the plus strand (A>T on the coding strand, the complement: APOB is on the minus strand). VCF-style: chr2-21019901-T-A. GRCh37 (hg19) VCF-style: chr2-21242773-T-A.
Other names: short protein forms T941S.
Identifiers: ClinVar variation 918927 (VCV000918927.19), dbSNP rs748256431, ClinGen allele CA057300.